The following is an entry in ClinVar:

NM_031220.4(PITPNM3):c.874C>T (p.Arg292Trp)

Gene: PITPNM3 (PITPNM family member 3; minus strand). Cytogenetic location: 17p13.2.
Variant type: single nucleotide variant.
Coding change: c.874C>T on transcript NM_031220.4 (MANE Select); coding-DNA position 874, C replaced by T.
Protein change: p.Arg292Trp; replaces arginine 292 with tryptophan.
Molecular consequence: missense variant.
Genome position (GRCh38, 1-based): chr17:6,478,001, G>A on the plus strand (C>T on the coding strand, the complement: PITPNM3 is on the minus strand). VCF-style: chr17-6478001-G-A. GRCh37 (hg19) VCF-style: chr17-6381321-G-A.
Other names: c.766C>T, p.Arg256Trp (NM_001165966.2); short protein forms R256W, R292W.
Identifiers: ClinVar variation 3605448 (VCV003605448.2).
Genomic context (GRCh38, chr17:6,478,001, plus strand): 5'-ATACCCCTCCCGCGGTCCTGTCCCCCGGCTGTACCTGGGTGCTGCTGATGCTCCCCTTCC[G>A]GCTGCTGCTGGCAGGGCTGTCCCCTGAGGGCCCCGCACTGTAGCAGATGGCATCGAAGGC-3'
Protein context (NP_112497.2, residues 282-302): PSGDSPASSS[Arg292Trp]KGSISSTQDT

ClinVar aggregate classification (germline): Uncertain significance (1 of 4 stars; one submission).

gnomAD v4.1: 76 of 1,613,340 alleles (0.0047%); highest among the groups gnomAD compares: African/African-American, 0.004%; no homozygotes.

Submission:

Labcorp Genetics (formerly Invitae), Labcorp
Classification: Uncertain significance. Last evaluated: 2025-04-09. Review status: criteria provided, single submitter. Criteria: Invitae Variant Classification Sherloc (09022015). Collection method: clinical testing. Allele origin: germline.
Comment: This sequence change replaces arginine, which is basic and polar, with tryptophan, which is neutral and slightly polar, at codon 292 of the PITPNM3 protein (p.Arg292Trp). This variant is present in population databases (rs76619855, gnomAD 0.06%), and has an allele count higher than expected for a pathogenic variant. This variant has not been reported in the literature in individuals affected with PITPNM3-related conditions. ClinVar contains an entry for this variant (Variation ID: 3605448). Invitae Evidence Modeling of protein sequence and biophysical properties (such as structural, functional, and spatial information, amino acid conservation, physicochemical variation, residue mobility, and thermodynamic stability) indicates that this missense variant is not expected to disrupt PITPNM3 protein function with a negative predictive value of 80%. In summary, the available evidence is currently insufficient to determine the role of this variant in disease. Therefore, it has been classified as a Variant of Uncertain Significance.